The following is an entry in ClinVar:

ClinVar aggregate classification (germline): Uncertain significance. Review status: criteria provided, single submitter (1 of 4 stars). 2 submissions from 2 submitters: Uncertain significance (1). 1 of the submissions does not count toward it. Last evaluated 2025-01-23.

Conditions:
Familial long QT syndrome (RWS). Also called: Romano-Ward syndrome; VENTRICULAR FIBRILLATION WITH PROLONGED QT INTERVAL; Congenital long QT syndrome. Identifiers: Orphanet 768, MedGen C1141890, MONDO:0019171.

Submissions (2):

Dasa
Classification: Uncertain significance. Last evaluated: 2025-01-23. Review status: criteria provided, single submitter. Criteria: DASA Assertion Criteria. Collection method: clinical testing. Allele origin: germline.
Comment: NM_021096.4(CACNA1I):c.3427G>A (p.Glu1143Lys) is a missense variant that results in the substitution of glutamic acid with lysine. This variant is rare in population databases. The currently available literature and clinical evidence are not sufficient to establish a definitive association between this variant and the reported condition. Therefore, this variant is classified as a variant of uncertain significance.

Genetics and Genomics Program, Sidra Medicine
Classification: Uncertain significance for Isolated congenital long QT syndrome. Review status: no assertion criteria provided. Collection method: research. Allele origin: unknown. Affected: yes. Not counted in ClinVar's aggregate classification.
Comment: The c.3322G>A missense variant in CACNA1I is reported in gnomAD with an allele count of 16 and no homozygous individuals (PM2). It occurs in a critical domain of the gene (PM1), and in silico predictions suggest a damaging effect (PP3). ACMG codes: PM1, PM2, PP3.

NM_021096.4(CACNA1I):c.3427G>A (p.Glu1143Lys)

Gene: CACNA1I (calcium voltage-gated channel subunit alpha1 I; plus strand). Cytogenetic location: 22q13.1.
Variant type: single nucleotide variant.
Coding change: c.3427G>A on transcript NM_021096.4 (MANE Select); coding-DNA position 3427, G replaced by A.
Protein change: p.Glu1143Lys; replaces glutamic acid 1143 with lysine.
Molecular consequence: missense variant.
Genome position (GRCh38, 1-based): chr22:39,662,830, G>A. VCF-style: chr22-39662830-G-A. GRCh37 (hg19) VCF-style: chr22-40058835-G-A.
Other names: c.3322G>A, p.Glu1108Lys (NM_001003406.2); short protein forms E1108K, E1143K.
Identifiers: ClinVar variation 3358895 (VCV003358895.3).
Genomic context (GRCh38, chr22:39,662,830, plus strand): 5'-TGCTAGACCCTGTGCTTCCGCGTCCGCAAGATGATCGACGTCTATAAGCCCGACTGGTGC[G>A]AGGTCCGCGAAGACTGGTCTGTCTACCTCTTCTCTCCCGAGAACAGGTGGGCAGGGCCAG-3'
Protein context (NP_066919.2, residues 1133-1153): MIDVYKPDWC[Glu1143Lys]VREDWSVYLF